The following is an entry in ClinVar:

ClinVar aggregate classification (germline): Uncertain significance (1 of 4 stars; one submission).

Submission:

GeneDx
Classification: Uncertain significance. Last evaluated: 2023-11-06. Review status: criteria provided, single submitter. Criteria: GeneDx Variant Classification Process June 2021. Collection method: clinical testing. Allele origin: germline. Affected: yes.
Comment: Not observed at significant frequency in large population cohorts (gnomAD); In silico analysis supports that this missense variant has a deleterious effect on protein structure/function; Has not been previously published as pathogenic or benign to our knowledge

NM_207037.2(TCF12):c.241C>G (p.His81Asp)

Gene: TCF12 (transcription factor 12; plus strand). Cytogenetic location: 15q21.3.
Variant type: single nucleotide variant.
Coding change: c.241C>G on transcript NM_207037.2 (MANE Select); coding-DNA position 241, C replaced by G.
Protein change: p.His81Asp; replaces histidine 81 with aspartic acid.
Molecular consequence: missense variant. On other transcripts: 5 prime UTR variant (1).
Genome position (GRCh38, 1-based): chr15:57,091,807, C>G. VCF-style: chr15-57091807-C-G. GRCh37 (hg19) VCF-style: chr15-57384005-C-G.
Other names: c.241C>G, p.His81Asp (NM_001322151.2, NM_001322152.2, NM_001322157.3 and 7 more transcripts); c.-412C>G (NM_001322154.2); c.67C>G, p.His23Asp (NM_001322156.2, NM_001322158.2); c.277C>G, p.His93Asp (NM_001322164.2); short protein forms H23D, H81D, H93D.
Identifiers: ClinVar variation 3363901 (VCV003363901.1).